The following is an entry in ClinVar:

ClinVar aggregate classification (germline): Uncertain significance. Review status: criteria provided, multiple submitters, no conflicts (2 of 4 stars). 2 submissions from 2 submitters: Uncertain significance (2). Last evaluated 2024-06-13.

Conditions:
Glanzmann thrombasthenia. Also called: BLEEDING DISORDER, PLATELET-TYPE, 2; THROMBASTHENIA OF GLANZMANN AND NAEGELI; PLATELET GLYCOPROTEIN IIb-IIIa DEFICIENCY; Thrombasthenia; Glanzmann's thrombasthenia. Identifiers: Orphanet 849, MedGen C0040015, MONDO:0100326.

Allele frequency attached by ClinVar (database versions not stated): gnomAD 0.00001; TOPMed 0.00001; gnomAD exomes 0.00004.
gnomAD v4.1: 65 of 1,613,364 alleles (0.004%); highest among the groups gnomAD compares: Non-Finnish European, 0.0054%; no homozygotes.

Submissions (2):

Women's Health and Genetics/Laboratory Corporation of America, LabCorp
Classification: Uncertain significance. Last evaluated: 2024-06-13. Review status: criteria provided, single submitter. Criteria: LabCorp Variant Classification Summary - May 2015. Collection method: clinical testing. Allele origin: germline.
Comment: Variant summary: ITGA2B c.1245T>G (p.Ser415Arg) results in a non-conservative amino acid change in the encoded protein sequence. Three of five in-silico tools predict a benign effect of the variant on protein function. The variant was absent in 249268 control chromosomes. The available data on variant occurrences in the general population are insufficient to allow any conclusion about variant significance. To our knowledge, no occurrence of c.1245T>G in individuals affected with ITGA2B-Related Disorders and no experimental evidence demonstrating its impact on protein function have been reported. ClinVar contains an entry for this variant (Variation ID: 2718161). Based on the evidence outlined above, the variant was classified as uncertain significance.

Labcorp Genetics (formerly Invitae), Labcorp
Classification: Uncertain significance for Glanzmann thrombasthenia. Last evaluated: 2022-12-03. Review status: criteria provided, single submitter. Criteria: Invitae Variant Classification Sherloc (09022015). Collection method: clinical testing. Allele origin: germline.
Comment: In summary, the available evidence is currently insufficient to determine the role of this variant in disease. Therefore, it has been classified as a Variant of Uncertain Significance. Advanced modeling of protein sequence and biophysical properties (such as structural, functional, and spatial information, amino acid conservation, physicochemical variation, residue mobility, and thermodynamic stability) performed at Invitae indicates that this missense variant is not expected to disrupt ITGA2B protein function. This variant has not been reported in the literature in individuals affected with ITGA2B-related conditions. The frequency data for this variant in the population databases is considered unreliable, as metrics indicate poor data quality at this position in the gnomAD database. This sequence change replaces serine, which is neutral and polar, with arginine, which is basic and polar, at codon 415 of the ITGA2B protein (p.Ser415Arg).

NM_000419.5(ITGA2B):c.1245T>G (p.Ser415Arg)

Gene: ITGA2B (integrin subunit alpha 2b; minus strand). Cytogenetic location: 17q21.31.
Variant type: single nucleotide variant.
Coding change: c.1245T>G on transcript NM_000419.5 (MANE Select); coding-DNA position 1245, T replaced by G.
Protein change: p.Ser415Arg; replaces serine 415 with arginine.
Molecular consequence: missense variant.
Genome position (GRCh38, 1-based): chr17:44,381,027, A>C on the plus strand (T>G on the coding strand, the complement: ITGA2B is on the minus strand). VCF-style: chr17-44381027-A-C. GRCh37 (hg19) VCF-style: chr17-42458395-A-C.
Other names: short protein forms S415R.
Identifiers: ClinVar variation 2718161 (VCV002718161.4), dbSNP rs940348946, ClinGen allele CA290950753.